The following is an entry in ClinVar:

ClinVar aggregate classification (germline): Uncertain significance (1 of 4 stars; one submission).

Submission:

Labcorp Genetics (formerly Invitae), Labcorp
Classification: Uncertain significance. Last evaluated: 2024-04-11. Review status: criteria provided, single submitter. Criteria: Invitae Variant Classification Sherloc (09022015). Collection method: clinical testing. Allele origin: germline.
Comment: This sequence change replaces leucine, which is neutral and non-polar, with isoleucine, which is neutral and non-polar, at codon 100 of the ALPK1 protein (p.Leu100Ile). This variant is not present in population databases (gnomAD no frequency). This variant has not been reported in the literature in individuals affected with ALPK1-related conditions. Advanced modeling of protein sequence and biophysical properties (such as structural, functional, and spatial information, amino acid conservation, physicochemical variation, residue mobility, and thermodynamic stability) performed at Invitae indicates that this missense variant is not expected to disrupt ALPK1 protein function with a negative predictive value of 80%. In summary, the available evidence is currently insufficient to determine the role of this variant in disease. Therefore, it has been classified as a Variant of Uncertain Significance.

NM_025144.4(ALPK1):c.298C>A (p.Leu100Ile)

Gene: ALPK1 (alpha kinase 1; plus strand). Cytogenetic location: 4q25.
Variant type: single nucleotide variant.
Coding change: c.298C>A on transcript NM_025144.4 (MANE Select); coding-DNA position 298, C replaced by A.
Protein change: p.Leu100Ile; replaces leucine 100 with isoleucine.
Molecular consequence: missense variant.
Genome position (GRCh38, 1-based): chr4:112,411,848, C>A. VCF-style: chr4-112411848-C-A. GRCh37 (hg19) VCF-style: chr4-113333004-C-A.
Other names: c.298C>A, p.Leu100Ile (NM_001102406.2); c.64C>A, p.Leu22Ile (NM_001253884.2); short protein forms L22I, L100I.
Identifiers: ClinVar variation 3690506 (VCV003690506.2).
Genomic context (GRCh38, chr4:112,411,848, plus strand): 5'-TTTCCGCCTGGCTCACGATGTTCCACGCTGTTCCTCCAGGCGTCCCTGAGGGCCTCCATC[C>A]TCGCTCGGGACTGTGCGGCTGCGGCGGCTATTGTGTTCTTGGTGGACCGGTTCCTGTATG-3'
Protein context (NP_079420.3, residues 90-110): QLLASLRASI[Leu100Ile]ARDCAAAAAI